The following is an entry in ClinVar:

ClinVar aggregate classification (germline): Likely benign (1 of 4 stars; one submission).

Submission:

CeGaT Center for Human Genetics Tuebingen
Classification: Likely benign. Last evaluated: 2024-09-01. Review status: criteria provided, single submitter. Criteria: CeGaT Center For Human Genetics Tuebingen Variant Classification Criteria Version 2. Collection method: clinical testing. Allele origin: germline. Affected: yes. Observed: 1 variant allele.
Comment: GRID2IP: BP4, BP7

NM_001145118.2(GRID2IP):c.2415A>C (p.Pro805=)

Gene: GRID2IP (Grid2 interacting protein; minus strand). Cytogenetic location: 7p22.1.
Variant type: single nucleotide variant.
Coding change: c.2415A>C on transcript NM_001145118.2 (MANE Select); coding-DNA position 2415, A replaced by C.
Protein change: p.Pro805=; no amino-acid change (proline 805 retained).
Molecular consequence: synonymous variant.
Genome position (GRCh38, 1-based): chr7:6,508,114, T>G on the plus strand (A>C on the coding strand, the complement: GRID2IP is on the minus strand). VCF-style: chr7-6508114-T-G. GRCh37 (hg19) VCF-style: chr7-6547745-T-G.
Other names: c.1842A>C, p.Pro614= (NM_001388403.1); c.1866A>C, p.Pro622= (NM_001394781.1).
Identifiers: ClinVar variation 3388382 (VCV003388382.14).